The following is an entry in ClinVar:

NM_000090.4(COL3A1):c.1706C>G (p.Ser569Cys)

Gene: COL3A1 (collagen type III alpha 1 chain; plus strand). Cytogenetic location: 2q32.2.
Variant type: single nucleotide variant.
Coding change: c.1706C>G on transcript NM_000090.4 (MANE Select); coding-DNA position 1706, C replaced by G.
Protein change: p.Ser569Cys; replaces serine 569 with cysteine.
Molecular consequence: missense variant.
Genome position (GRCh38, 1-based): chr2:188,996,441, C>G. VCF-style: chr2-188996441-C-G. GRCh37 (hg19) VCF-style: chr2-189861167-C-G.
Other names: short protein forms S569C.
Identifiers: ClinVar variation 1720512 (VCV001720512.6), dbSNP rs2469135384, ClinGen allele CA349852708.
Genomic context (GRCh38, chr2:188,996,441, plus strand): 5'-TAATTTTTTCTTATTAGGGAAGTCAAGGAGAAAGTGGTCGACCAGGTCCTCCTGGGCCAT[C>G]TGGTCCCCGAGGTCAGCCTGGTGTCATGGGCTTCCCCGGTCCTAAAGGAAATGATGTGAG-3'
Protein context (NP_000081.2, residues 559-579): ESGRPGPPGP[Ser569Cys]GPRGQPGVMG

ClinVar aggregate classification (germline): Uncertain significance (1 of 4 stars; one submission).

Conditions:
Ehlers-Danlos syndrome, type 4 (EDSVASC). Also called: Ehlers-Danlos syndrome vascular type; Ehlers Danlos syndrome, ecchymotic type; Ehlers Danlos syndrome, arterial type; Ehlers Danlos syndrome, Sack-Barabas type; Ehlers-Danlos Syndrome Type IV. Identifiers: Orphanet 286, MedGen C0268338, MONDO:0017314, OMIM 130050.

Submission:

Labcorp Genetics (formerly Invitae), Labcorp
Classification: Uncertain significance for Ehlers-Danlos syndrome, type 4. Last evaluated: 2024-06-17. Review status: criteria provided, single submitter. Criteria: Invitae Variant Classification Sherloc (09022015). Collection method: clinical testing. Allele origin: germline.
Comment: This sequence change replaces serine, which is neutral and polar, with cysteine, which is neutral and slightly polar, at codon 569 of the COL3A1 protein (p.Ser569Cys). This variant is not present in population databases (gnomAD no frequency). This variant has not been reported in the literature in individuals affected with COL3A1-related conditions. ClinVar contains an entry for this variant (Variation ID: 1720512). Advanced modeling of protein sequence and biophysical properties (such as structural, functional, and spatial information, amino acid conservation, physicochemical variation, residue mobility, and thermodynamic stability) performed at Invitae indicates that this missense variant is not expected to disrupt COL3A1 protein function with a negative predictive value of 95%. In summary, the available evidence is currently insufficient to determine the role of this variant in disease. Therefore, it has been classified as a Variant of Uncertain Significance.